The following is an entry in ClinVar:

ClinVar aggregate classification (germline): Likely benign. Review status: criteria provided, multiple submitters, no conflicts (2 of 4 stars). 5 submissions from 5 submitters: Likely benign (5). Last evaluated 2026-01-17.

Conditions:
Hereditary breast ovarian cancer syndrome. Also called: Hereditary breast and ovarian cancer syndrome; Breast and ovarian cancer; Hereditary breast and ovarian cancer syndrome (HBOC); Hereditary breast and/or ovarian cancer syndrome; BRCA1- and BRCA2-Associated Hereditary Breast and Ovarian Cancer; Hereditary breast and ovarian cancer. Identifiers: Orphanet 145, MedGen C0677776, MeSH D061325, MONDO:0003582. Disease mechanism: loss of function.
Hereditary cancer-predisposing syndrome. Also called: Neoplastic Syndromes, Hereditary; Hereditary neoplastic syndrome; Hereditary Cancer Syndrome; Tumor predisposition. Identifiers: Orphanet 140162, MedGen C0027672, MeSH D009386, MONDO:0015356.

Allele frequency attached by ClinVar (database versions not stated): gnomAD exomes below 0.00001 and 0.00001.
gnomAD v4.1: 2 of 1,610,888 alleles (0.00012%); highest among the groups gnomAD compares: Admixed American, 0.0033%; no homozygotes.

Submissions (6):

Labcorp Genetics (formerly Invitae), Labcorp
Classification: Likely benign for Hereditary breast ovarian cancer syndrome. Last evaluated: 2026-01-17. Review status: criteria provided, single submitter. Criteria: Invitae Variant Classification Sherloc (09022015). Collection method: clinical testing. Allele origin: germline.

Women's Health and Genetics/Laboratory Corporation of America, LabCorp
Classification: Likely benign. Last evaluated: 2025-10-27. Review status: criteria provided, single submitter. Criteria: LabCorp Variant Classification Summary - May 2015. Collection method: clinical testing. Allele origin: germline.
Comment: Variant summary: BRCA1 c.5406+17C>T alters a non-conserved nucleotide located at a position not widely known to affect splicing. Consensus agreement among computation tools predict no significant impact on normal splicing. However, these predictions have yet to be confirmed by functional studies. The variant allele was found at a frequency of 8e-06 in 251228 control chromosomes. The available data on variant occurrences in the general population are insufficient to allow any conclusion about variant significance. c.5406+17C>T has been reported in the literature in at least 1 individual within a cohort of women aged 40 years at diagnosis and/or risk factors for hereditary breast cancer who underwent NGS testing for BRCA1/2 genes (example, Zayas-Villanueva_2019). This report does not provide unequivocal conclusions about association of the variant with Hereditary Breast And Ovarian Cancer Syndrome. At least one functional study reports experimental evidence evaluating an impact on protein function and showed no damaging effect of this variant on homology directed repair (HDR) activity (e.g. Findlay_2018). HDR assays qualify as a recognized gold standard on the basis of updated guidance provided by the ClinGen Sequence Variant Interpretation (SVI) working group. The following publications have been ascertained in the context of this evaluation (PMID: 30209399, 31331294). ClinVar contains an entry for this variant (Variation ID: 387372). Based on the evidence outlined above, the variant was classified as likely benign.

ARUP Laboratories, Molecular Genetics and Genomics, ARUP Laboratories
Classification: Likely benign. Last evaluated: 2019-01-17. Review status: criteria provided, single submitter. Criteria: ARUP Molecular Germline Variant Investigation Process. Collection method: clinical testing. Allele origin: germline.

GeneDx
Classification: Likely benign. Last evaluated: 2016-06-27. Review status: criteria provided, single submitter. Criteria: GeneDx Variant Classification (06012015). Collection method: clinical testing. Allele origin: germline. Affected: yes.
Comment: This variant is considered likely benign or benign based on one or more of the following criteria: it is a conservative change, it occurs at a poorly conserved position in the protein, it is predicted to be benign by multiple in silico algorithms, and/or has population frequency not consistent with disease.

Color Diagnostics, LLC DBA Color Health
Classification: Likely benign for Hereditary cancer-predisposing syndrome. Last evaluated: 2015-04-27. Review status: criteria provided, single submitter. Criteria: ACMG Guidelines, 2015. Collection method: clinical testing. Allele origin: germline.

Brotman Baty Institute, University of Washington
No classification provided (evidence only). Condition: Breast-ovarian cancer, familial 1. Review status: no classification provided. Collection method: in vitro. Allele origin: not applicable. Functional consequence: functionally_normal. Not counted in ClinVar's aggregate classification.
ClinVar note: "not provided" was previously submitted as the classification for the variant. However, the classification appeared to be based only on an observation of functional data so it was converted to no classification on 2025-07-30.

Literature cited by the submitters: PubMed 30209399 (cited by Women's Health and Genetics/Laboratory Corporation of America, LabCorp); PubMed 31331294 (cited by Women's Health and Genetics/Laboratory Corporation of America, LabCorp).

NM_007294.4(BRCA1):c.5406+17C>T

Gene: BRCA1 (BRCA1 DNA repair associated; minus strand). Cytogenetic location: 17q21.31.
Variant type: single nucleotide variant.
Coding change: c.5406+17C>T on transcript NM_007294.4 (MANE Select); 17 bases into the intron after coding-DNA position 5406, C replaced by T.
Molecular consequence: intron variant.
Genome position (GRCh38, 1-based): chr17:43,049,104, G>A on the plus strand (C>T on the coding strand, the complement: BRCA1 is on the minus strand). VCF-style: chr17-43049104-G-A. GRCh37 (hg19) VCF-style: chr17-41201121-G-A.
Other names: c.1953+17C>T (NM_001408458.1, NM_001408461.1, NM_001408464.1 and 7 more transcripts); c.4515+17C>T (NM_001407967.1); c.5025+17C>T (NM_001407959.1); c.5139+17C>T (NM_001407931.1, NM_001407932.1, NM_001407928.1 and 4 more transcripts); c.5262+17C>T (NM_001407747.1, NM_001407745.1, NM_001407737.1 and 18 more transcripts); c.5022+17C>T (NM_001407962.1, NM_001407960.1); c.1593+17C>T (NM_001408512.1); c.1716+17C>T (NM_001408510.1); and 84 more.
Identifiers: ClinVar variation 387372 (VCV000387372.25), dbSNP rs1057522773, ClinGen allele CA16607599.